The following is an entry in ClinVar:

NM_000156.6(GAMT):c.232G>A (p.Val78Met)

Gene: GAMT (guanidinoacetate N-methyltransferase; minus strand). Cytogenetic location: 19p13.3.
Variant type: single nucleotide variant.
Coding change: c.232G>A on transcript NM_000156.6 (MANE Select); coding-DNA position 232, G replaced by A.
Protein change: p.Val78Met; replaces valine 78 with methionine.
Molecular consequence: missense variant.
Genome position (GRCh38, 1-based): chr19:1,399,888, C>T on the plus strand (G>A on the coding strand, the complement: GAMT is on the minus strand). VCF-style: chr19-1399888-C-T. GRCh37 (hg19) VCF-style: chr19-1399887-C-T.
Other names: c.232G>A, p.Val78Met (NM_138924.3); c.232G>A (NM_000156.4, NM_000156.5); short protein forms V78M.
Identifiers: ClinVar variation 1046459 (VCV001046459.8), dbSNP rs141358977, ClinGen allele CA9043759.

ClinVar aggregate classification (germline): Uncertain significance. Review status: criteria provided, multiple submitters, no conflicts (2 of 4 stars). 3 submissions from 3 submitters: Uncertain significance (3). Last evaluated 2025-06-12.

Conditions:
Cerebral creatine deficiency syndrome. Also called: Creatine deficiency syndromes. Identifiers: Orphanet 79172, MedGen C5244016, MONDO:0000456.
Inborn genetic diseases. Identifiers: MedGen C0950123, MeSH D030342.

Allele frequency attached by ClinVar (database versions not stated): gnomAD exomes below 0.00001; ExAC 0.00001; ESP Exome Variant Server 0.00008.
gnomAD v4.1: 3 of 1,608,428 alleles (0.00019%); highest among the groups gnomAD compares: African/African-American, 0.0013%; no homozygotes.

Submissions (3):

Ambry Genetics
Classification: Uncertain significance for Inborn genetic diseases. Last evaluated: 2025-06-12. Review status: criteria provided, single submitter. Criteria: Ambry Variant Classification Scheme 2023. Collection method: clinical testing. Allele origin: germline.

GeneDx
Classification: Uncertain significance. Last evaluated: 2025-02-27. Review status: criteria provided, single submitter. Criteria: GeneDx Variant Classification Process June 2021. Collection method: clinical testing. Allele origin: germline. Affected: yes.
Comment: Published functional studies demonstrate no damaging effect (PMID: 26003046); Not observed at significant frequency in large population cohorts (gnomAD); In silico analysis indicates that this missense variant does not alter protein structure/function; This variant is associated with the following publications: (PMID: 26003046)

Labcorp Genetics (formerly Invitae), Labcorp
Classification: Uncertain significance for Cerebral creatine deficiency syndrome. Last evaluated: 2022-02-10. Review status: criteria provided, single submitter. Criteria: Invitae Variant Classification Sherloc (09022015). Collection method: clinical testing. Allele origin: germline.
Comment: This sequence change replaces valine, which is neutral and non-polar, with methionine, which is neutral and non-polar, at codon 78 of the GAMT protein (p.Val78Met). This variant is not present in population databases (gnomAD no frequency). This variant has not been reported in the literature in individuals affected with GAMT-related conditions. ClinVar contains an entry for this variant (Variation ID: 1046459). Algorithms developed to predict the effect of missense changes on protein structure and function (SIFT, PolyPhen-2, Align-GVGD) all suggest that this variant is likely to be tolerated. Experimental studies have shown that this missense change does not substantially affect GAMT function (PMID: 26003046). In summary, the available evidence is currently insufficient to determine the role of this variant in disease. Therefore, it has been classified as a Variant of Uncertain Significance.

Literature cited by the submitters: PubMed 26003046 (cited by Labcorp Genetics (formerly Invitae), Labcorp).